The following is an entry in ClinVar:

NM_182919.4(TICAM1):c.395G>A (p.Arg132Gln)

Gene: TICAM1 (TIR domain containing adaptor molecule 1; minus strand). Cytogenetic location: 19p13.3.
Variant type: single nucleotide variant.
Coding change: c.395G>A on transcript NM_182919.4 (MANE Select); coding-DNA position 395, G replaced by A.
Protein change: p.Arg132Gln; replaces arginine 132 with glutamine.
Molecular consequence: missense variant. On other transcripts: intron variant (1).
Genome position (GRCh38, 1-based): chr19:4,817,983, C>T on the plus strand (G>A on the coding strand, the complement: TICAM1 is on the minus strand). VCF-style: chr19-4817983-C-T. GRCh37 (hg19) VCF-style: chr19-4817995-C-T.
Other names: c.353G>A, p.Arg118Gln (NM_001385678.1); c.260G>A, p.Arg87Gln (NM_001385679.1); c.-71-177G>A (NM_001385680.1); c.395G>A (NM_182919.2); short protein forms R132Q, R118Q, R87Q.
Identifiers: ClinVar variation 572017 (VCV000572017.6), dbSNP rs755557071, ClinGen allele CA9105360.

ClinVar aggregate classification (germline): Uncertain significance. Review status: criteria provided, multiple submitters, no conflicts (2 of 4 stars). 2 submissions from 2 submitters: Uncertain significance (2). Last evaluated 2025-05-20.

Conditions:
Encephalopathy, acute, infection-induced (herpes-specific), susceptibility to, 6. Also called: Herpes simplex encephalitis, susceptibility to, 4. Identifiers: Orphanet 1930, MedGen C3553869, MONDO:0013921, OMIM 614850.

Allele frequency attached by ClinVar (database versions not stated): gnomAD 0.00010; TOPMed below 0.00001; gnomAD exomes 0.00004 and 0.00003; ExAC 0.00004.
gnomAD v4.1: 61 of 1,612,912 alleles (0.0038%); highest among the groups gnomAD compares: East Asian, 0.0067%; no homozygotes.

Submissions (2):

Ambry Genetics
Classification: Uncertain significance. Last evaluated: 2025-05-20. Review status: criteria provided, single submitter. Criteria: Ambry Variant Classification Scheme 2023. Collection method: clinical testing. Allele origin: germline.

Labcorp Genetics (formerly Invitae), Labcorp
Classification: Uncertain significance for Encephalopathy, acute, infection-induced (herpes-specific), susceptibility to, 6. Last evaluated: 2021-12-13. Review status: criteria provided, single submitter. Criteria: Invitae Variant Classification Sherloc (09022015). Collection method: clinical testing. Allele origin: germline.
Comment: This sequence change replaces arginine, which is basic and polar, with glutamine, which is neutral and polar, at codon 132 of the TICAM1 protein (p.Arg132Gln). This variant is present in population databases (rs755557071, gnomAD 0.008%). This variant has not been reported in the literature in individuals affected with TICAM1-related conditions. ClinVar contains an entry for this variant (Variation ID: 572017). Algorithms developed to predict the effect of missense changes on protein structure and function output the following: SIFT: "Tolerated"; PolyPhen-2: "Benign"; Align-GVGD: "Class C0". The glutamine amino acid residue is found in multiple mammalian species, which suggests that this missense change does not adversely affect protein function. In summary, the available evidence is currently insufficient to determine the role of this variant in disease. Therefore, it has been classified as a Variant of Uncertain Significance.